The following is an entry in ClinVar:

NM_001401693.1(TAF11L9):c.363C>G (p.Arg121=)

Gene: TAF11L9 (TATA-box binding protein associated factor 11 like 9; minus strand). Cytogenetic location: 5p15.1.
Variant type: single nucleotide variant.
Coding change: c.363C>G on transcript NM_001401693.1 (MANE Select); coding-DNA position 363, C replaced by G.
Protein change: p.Arg121=; no amino-acid change (arginine 121 retained).
Molecular consequence: synonymous variant.
Genome position (GRCh38, 1-based): chr5:17,594,032, G>C on the plus strand (C>G on the coding strand, the complement: TAF11L9 is on the minus strand). VCF-style: chr5-17594032-G-C. GRCh37 (hg19) VCF-style: chr5-17594141-G-C.
Identifiers: ClinVar variation 4534960 (VCV004534960.6).

ClinVar aggregate classification (germline): Likely benign (1 of 4 stars; one submission).

Submission:

CeGaT Center for Human Genetics Tuebingen
Classification: Likely benign. Last evaluated: 2025-11-01. Review status: criteria provided, single submitter. Criteria: CeGaT Center For Human Genetics Tuebingen Variant Classification Criteria Version 2. Collection method: clinical testing. Allele origin: germline. Affected: yes. Observed: 1 variant allele.
Comment: TAF11L9: BP4, BP7